The following is an entry in ClinVar:

NM_001365480.1(CCDC88A):c.959_962del (p.Val320fs)

Gene: CCDC88A (coiled-coil and HOOK domain protein 88A; minus strand). Cytogenetic location: 2p16.1.
Variant type: Deletion.
Coding change: c.959_962del on transcript NM_001365480.1 (MANE Select); coding-DNA positions 959 to 962, 4 bases deleted (TCAG; older notation c.959_962delTCAG).
Protein change: p.Val320fs; shifts the reading frame from valine 320.
Molecular consequence: frameshift variant.
Genome position (GRCh38, 1-based): chr2:55,346,254-55,346,257, CTGA deleted on the plus strand (TCAG on the coding strand, the reverse complement: CCDC88A is on the minus strand); deleting any 4 consecutive bases within chr2:55,346,254-55,346,260 gives the same sequence; the c. name uses the placement nearest the transcript's 3' end. VCF-style (leftmost placement, unchanged base first): chr2-55346253-TCTGA-T. GRCh37 (hg19) VCF-style: chr2-55573389-TCTGA-T.
Other names: c.959_962del, p.Val320fs (NM_001135597.2, NM_001254943.2, NM_018084.5); short protein forms V320fs.
Identifiers: ClinVar variation 1384224 (VCV001384224.6), dbSNP rs1669094977, ClinGen allele CA1252228754.

ClinVar aggregate classification (germline): Pathogenic (1 of 4 stars; one submission).

Submission:

Labcorp Genetics (formerly Invitae), Labcorp
Classification: Pathogenic. Last evaluated: 2020-12-10. Review status: criteria provided, single submitter. Criteria: Invitae Variant Classification Sherloc (09022015). Collection method: clinical testing. Allele origin: germline.
Comment: For these reasons, this variant has been classified as Pathogenic. This variant has not been reported in the literature in individuals with CCDC88A-related conditions. This variant is not present in population databases (ExAC no frequency). This sequence change creates a premature translational stop signal (p.Val320Glufs*29) in the CCDC88A gene. It is expected to result in an absent or disrupted protein product. Loss-of-function variants in CCDC88A are known to be pathogenic (PMID: 26917597, 30392057).

Literature cited by the submitters: PubMed 26917597; PubMed 30392057.